The following is an entry in ClinVar:

NM_000548.5(TSC2):c.1525A>G (p.Thr509Ala)

Gene: TSC2 (TSC complex subunit 2; plus strand). Cytogenetic location: 16p13.3.
Variant type: single nucleotide variant.
Coding change: c.1525A>G on transcript NM_000548.5 (MANE Select); coding-DNA position 1525, A replaced by G.
Protein change: p.Thr509Ala; replaces threonine 509 with alanine.
Molecular consequence: missense variant.
Genome position (GRCh38, 1-based): chr16:2,064,353, A>G. VCF-style: chr16-2064353-A-G. GRCh37 (hg19) VCF-style: chr16-2114354-A-G.
Other names: c.1525A>G, p.Thr509Ala (NM_001077183.3, NM_001114382.3, NM_001363528.2 and 3 more transcripts); c.1414A>G, p.Thr472Ala (NM_001318827.2); c.1378A>G, p.Thr460Ala (NM_001318829.2); c.925A>G, p.Thr309Ala (NM_001318831.2); c.1558A>G, p.Thr520Ala (NM_001318832.2); c.1525A>G (NM_000548.3); short protein forms T509A, T460A, T309A, T472A, T520A.
Identifiers: ClinVar variation 1413068 (VCV001413068.7), dbSNP rs1042656602, ClinGen allele CA276778733.

ClinVar aggregate classification (germline): Uncertain significance. Review status: criteria provided, multiple submitters, no conflicts (2 of 4 stars). 3 submissions from 3 submitters: Uncertain significance (3). Last evaluated 2025-04-18.

Conditions:
Hereditary cancer-predisposing syndrome. Also called: Hereditary neoplastic syndrome; Neoplastic Syndromes, Hereditary; Hereditary Cancer Syndrome; Tumor predisposition. Identifiers: Orphanet 140162, MedGen C0027672, MeSH D009386, MONDO:0015356.
Tuberous sclerosis syndrome (TSC). Also called: Tuberous Sclerosis Complex; Tuberous sclerosis. Identifiers: Orphanet 805, MedGen C0041341, MONDO:0001734.
Tuberous sclerosis 2 (TSC2). Identifiers: Orphanet 805, MedGen C1860707, MONDO:0013199, OMIM 613254.

Allele frequency attached by ClinVar (database versions not stated): TOPMed below 0.00001.

Submissions (3):

Labcorp Genetics (formerly Invitae), Labcorp
Classification: Uncertain significance for Tuberous sclerosis 2. Last evaluated: 2025-04-18. Review status: criteria provided, single submitter. Criteria: Invitae Variant Classification Sherloc (09022015). Collection method: clinical testing. Allele origin: germline.
Comment: This sequence change replaces threonine, which is neutral and polar, with alanine, which is neutral and non-polar, at codon 509 of the TSC2 protein (p.Thr509Ala). This variant is not present in population databases (gnomAD no frequency). This variant has not been reported in the literature in individuals affected with TSC2-related conditions. ClinVar contains an entry for this variant (Variation ID: 1413068). Invitae Evidence Modeling of protein sequence and biophysical properties (such as structural, functional, and spatial information, amino acid conservation, physicochemical variation, residue mobility, and thermodynamic stability) indicates that this missense variant is not expected to disrupt TSC2 protein function with a negative predictive value of 95%. In summary, the available evidence is currently insufficient to determine the role of this variant in disease. Therefore, it has been classified as a Variant of Uncertain Significance.

Ambry Genetics
Classification: Uncertain significance for Hereditary cancer-predisposing syndrome. Last evaluated: 2024-12-12. Review status: criteria provided, single submitter. Criteria: Ambry Variant Classification Scheme 2023. Collection method: clinical testing. Allele origin: germline.
Comment: The p.T509A variant (also known as c.1525A>G), located in coding exon 14 of the TSC2 gene, results from an A to G substitution at nucleotide position 1525. The threonine at codon 509 is replaced by alanine, an amino acid with similar properties. This amino acid position is conserved. In addition, this alteration is predicted to be deleterious by in silico analysis. Based on the available evidence, the clinical significance of this variant remains unclear.

All of Us Research Program, National Institutes of Health
Classification: Uncertain significance for Tuberous sclerosis syndrome. Last evaluated: 2024-06-11. Review status: criteria provided, single submitter. Criteria: ACMG Guidelines, 2015. Collection method: clinical testing. Allele origin: germline. Inheritance: Autosomal dominant inheritance. Observed: 1 variant allele, 1 heterozygote.
Comment: This study involves interpretation of variants in research participants for the purpose of population health screening. Participant phenotype was not available at the time of variant classification. Additional details can be found in publication PMID: 35346344, PMCID: PMC8962531